The following is an entry in ClinVar:

ClinVar aggregate classification (germline): Pathogenic (1 of 4 stars; one submission).

Conditions:
MOGS-congenital disorder of glycosylation. Also called: GLUCOSIDASE I DEFICIENCY; CDG IIb; MOGS-CDG; CDG 2B. Identifiers: Orphanet 79330, MedGen C1853736, MONDO:0011629, OMIM 606056.

Submission:

Labcorp Genetics (formerly Invitae), Labcorp
Classification: Pathogenic for MOGS-congenital disorder of glycosylation. Last evaluated: 2022-01-03. Review status: criteria provided, single submitter. Criteria: Invitae Variant Classification Sherloc (09022015). Collection method: clinical testing. Allele origin: germline.
Comment: For these reasons, this variant has been classified as Pathogenic. This variant disrupts a region of the MOGS protein in which other variant(s) (p.Asp414Leufs*17) have been determined to be pathogenic (PMID: 30587846). This suggests that this is a clinically significant region of the protein, and that variants that disrupt it are likely to be disease-causing. This variant has not been reported in the literature in individuals affected with MOGS-related conditions. This variant is not present in population databases (gnomAD no frequency). This sequence change creates a premature translational stop signal (p.Lys278Glufs*5) in the MOGS gene. While this is not anticipated to result in nonsense mediated decay, it is expected to disrupt the last 560 amino acid(s) of the MOGS protein.

Literature cited by the submitters: PubMed 30587846.

NM_006302.3(MOGS):c.832_833del (p.Lys278fs)

Gene: MOGS (mannosyl-oligosaccharide glucosidase; minus strand). Cytogenetic location: 2p13.1.
Variant type: Deletion.
Coding change: c.832_833del on transcript NM_006302.3 (MANE Select); coding-DNA positions 832 to 833, 2 bases deleted (AA; older notation c.832_833delAA).
Protein change: p.Lys278fs; shifts the reading frame from lysine 278.
Molecular consequence: frameshift variant.
Genome position (GRCh38, 1-based): chr2:74,462,956-74,462,957, TT deleted on the plus strand (AA on the coding strand, the reverse complement: MOGS is on the minus strand); deleting any 2 consecutive bases within chr2:74,462,956-74,462,958 gives the same sequence; the c. name uses the placement nearest the transcript's 3' end. VCF-style (leftmost placement, unchanged base first): chr2-74462955-CTT-C. GRCh37 (hg19) VCF-style: chr2-74690082-CTT-C.
Other names: c.514_515del, p.Lys172fs (NM_001146158.2); short protein forms K172fs, K278fs.
Identifiers: ClinVar variation 2203107 (VCV002203107.4), dbSNP rs781260708, ClinGen allele CA1724915.
Genomic context (GRCh38, chr2:74,462,955, plus strand): 5'-GAGGTAGCGTTCAGGGGGGGCCCCTGGGGGCCGATGCTGAAACCAGCTATTTAGGCGACT[CTT>C]TACCATCTCTGTCAGCAGGGGCAGTCCTGGGTTGGAGGTCCAGAAGACATTGTAGCTTGA-3'